The following is an entry in ClinVar:

NM_000081.4(LYST):c.4972T>G (p.Phe1658Val)

Gene: LYST (lysosomal trafficking regulator; minus strand). Cytogenetic location: 1q42.3.
Variant type: single nucleotide variant.
Coding change: c.4972T>G on transcript NM_000081.4 (MANE Select); coding-DNA position 4972, T replaced by G.
Protein change: p.Phe1658Val; replaces phenylalanine 1658 with valine.
Molecular consequence: missense variant.
Genome position (GRCh38, 1-based): chr1:235,781,978, A>C on the plus strand (T>G on the coding strand, the complement: LYST is on the minus strand). VCF-style: chr1-235781978-A-C. GRCh37 (hg19) VCF-style: chr1-235945278-A-C.
Other names: c.4972T>G, p.Phe1658Val (NM_001301365.1); short protein forms F1658V.
Identifiers: ClinVar variation 1026523 (VCV001026523.6), dbSNP rs771710044, ClinGen allele CA1466722.
Genomic context (GRCh38, chr1:235,781,978, plus strand): 5'-CTCACTCACCGTTGAAGAGAAGCAAATTTCCCAGGTCCCATTTTCCAGCCAACTGCAAAA[A>C]CTCTTCTTGGGATGATAAACAATGGCCAATCATGCAAAATGTTTTATTGCTATCAGATGA-3'
Protein context (NP_000072.2, residues 1648-1668): IGHCLSSQEE[Phe1658Val]LQLAGKWDLG

ClinVar aggregate classification (germline): Uncertain significance (1 of 4 stars; one submission).

Conditions:
Chédiak-Higashi syndrome (CHS). Also called: Chediak-Higashi Syndrome. Identifiers: Orphanet 167, MedGen C0007965, MONDO:0008963, OMIM 214500.

gnomAD v4.1: 10 of 1,613,628 alleles (0.00062%); highest among the groups gnomAD compares: East Asian, 0.022%; no homozygotes.

Submission:

Labcorp Genetics (formerly Invitae), Labcorp
Classification: Uncertain significance for Chédiak-Higashi syndrome. Last evaluated: 2022-06-20. Review status: criteria provided, single submitter. Criteria: Invitae Variant Classification Sherloc (09022015). Collection method: clinical testing. Allele origin: germline.
Comment: This sequence change replaces phenylalanine, which is neutral and non-polar, with valine, which is neutral and non-polar, at codon 1658 of the LYST protein (p.Phe1658Val). This variant is present in population databases (rs771710044, gnomAD 0.09%). This variant has not been reported in the literature in individuals affected with LYST-related conditions. ClinVar contains an entry for this variant (Variation ID: 1026523). Algorithms developed to predict the effect of missense changes on protein structure and function (SIFT, PolyPhen-2, Align-GVGD) all suggest that this variant is likely to be tolerated. In summary, the available evidence is currently insufficient to determine the role of this variant in disease. Therefore, it has been classified as a Variant of Uncertain Significance.